The following is an entry in ClinVar:

ClinVar aggregate classification (germline): Conflicting classifications of pathogenicity. Review status: criteria provided, conflicting classifications (1 of 4 stars). 3 submissions from 3 submitters: Uncertain significance (1); Likely benign (1). 1 of the submissions does not count toward it. Last evaluated 2025-10-23.

Conditions:
Short stature due to partial GHR deficiency. Also called: GROWTH HORMONE INSENSITIVITY, PARTIAL; Growth hormone, insensitivity to, partial; GROWTH HORMONE DEFICIENCY, ISOLATED PARTIAL. Identifiers: Orphanet 314802, Orphanet 314811, MedGen C1858656, MONDO:0011420, OMIM 604271.

Allele frequency attached by ClinVar (database versions not stated): ExAC 0.00002; gnomAD exomes 0.00002 and 0.00006; gnomAD 0.00005 and 0.00006; TOPMed 0.00006.
gnomAD v4.1: 94 of 1,613,036 alleles (0.0058%); highest among the groups gnomAD compares: Non-Finnish European, 0.0072%; no homozygotes.

Submissions (3):

Labcorp Genetics (formerly Invitae), Labcorp
Classification: Likely benign. Last evaluated: 2025-10-23. Review status: criteria provided, single submitter. Criteria: Invitae Variant Classification Sherloc (09022015). Collection method: clinical testing. Allele origin: germline.

Institute of Human Genetics, University of Leipzig Medical Center
Classification: Uncertain significance for Short stature due to partial GHR deficiency. Last evaluated: 2022-05-17. Review status: criteria provided, single submitter. Criteria: ACMG Guidelines, 2015. Collection method: clinical testing. Allele origin: paternal. Inheritance: Autosomal dominant inheritance. Affected: yes.
Comment: Criteria applied: PS4_SUP

OMIM
Classification: Pathogenic for GROWTH HORMONE INSENSITIVITY, PARTIAL. Last evaluated: 1995-10-26. Review status: no assertion criteria provided. Collection method: literature only. Allele origin: germline. Not counted in ClinVar's aggregate classification.

Literature cited by the submitters: PubMed 7565946 (cited by OMIM).

NM_000163.5(GHR):c.726G>C (p.Glu242Asp)

Gene: GHR (growth hormone receptor; plus strand). Cytogenetic location: 5p12.
Variant type: single nucleotide variant.
Coding change: c.726G>C on transcript NM_000163.5 (MANE Select); coding-DNA position 726, G replaced by C.
Protein change: p.Glu242Asp; replaces glutamic acid 242 with aspartic acid.
Molecular consequence: missense variant.
Genome position (GRCh38, 1-based): chr5:42,711,314, G>C. VCF-style: chr5-42711314-G-C. GRCh37 (hg19) VCF-style: chr5-42711416-G-C.
Other names: c.747G>C, p.Glu249Asp (NM_001242399.2); c.726G>C, p.Glu242Asp (NM_001242400.2, NM_001242401.4, NM_001242402.2 and 5 more transcripts); c.660G>C, p.Glu220Asp (NM_001242460.2); short protein forms E242D, E220D, E249D.
Identifiers: ClinVar variation 8638 (VCV000008638.7), dbSNP rs45588036, ClinGen allele CA119800.